The following is an entry in ClinVar:

NM_005857.5(ZMPSTE24):c.1040A>G (p.Lys347Arg)

Gene: ZMPSTE24 (zinc metallopeptidase STE24; plus strand). Cytogenetic location: 1p34.2.
Variant type: single nucleotide variant.
Coding change: c.1040A>G on transcript NM_005857.5 (MANE Select); coding-DNA position 1040, A replaced by G.
Protein change: p.Lys347Arg; replaces lysine 347 with arginine.
Molecular consequence: missense variant.
Genome position (GRCh38, 1-based): chr1:40,286,010, A>G. VCF-style: chr1-40286010-A-G. GRCh37 (hg19) VCF-style: chr1-40751682-A-G.
Other names: short protein forms K347R.
Identifiers: ClinVar variation 3353085 (VCV003353085.1).

ClinVar aggregate classification (germline): Uncertain significance (0 of 4 stars; one submission).

Conditions:
ZMPSTE24-related disorder. Also called: ZMPSTE24-related disorders; ZMPSTE24-related condition. Identifiers: MedGen CN239425.

Submission:

PreventionGenetics, part of Exact Sciences
Classification: Uncertain significance for ZMPSTE24-related condition. Last evaluated: 2024-05-02. Review status: no assertion criteria provided. Collection method: clinical testing. Allele origin: germline.
Comment: The ZMPSTE24 c.1040A>G variant is predicted to result in the amino acid substitution p.Lys347Arg. This variant was reported in a study of individuals with dyslipidemia or related metabolic traits (see Supplemental Tables in Dron et al 2020. PubMed ID: 32041611). This variant is reported in 0.0062% of alleles in individuals of African descent in gnomAD. At this time, the clinical significance of this variant is uncertain due to the absence of conclusive functional and genetic evidence.